The following is an entry in ClinVar:

ClinVar aggregate classification (germline): Uncertain significance (1 of 4 stars; one submission).

Allele frequency attached by ClinVar (database versions not stated): gnomAD exomes below 0.00001.
gnomAD v4.1: 1 of 1,605,278 alleles (0.000062%); highest among the groups gnomAD compares: Non-Finnish European, 0.000085%; no homozygotes.

Submission:

Labcorp Genetics (formerly Invitae), Labcorp
Classification: Uncertain significance. Last evaluated: 2022-09-19. Review status: criteria provided, single submitter. Criteria: Invitae Variant Classification Sherloc (09022015). Collection method: clinical testing. Allele origin: germline.
Comment: This sequence change replaces serine, which is neutral and polar, with glycine, which is neutral and non-polar, at codon 532 of the OPA1 protein (p.Ser532Gly). This variant is present in population databases (no rsID available, gnomAD 0.01%). This variant has not been reported in the literature in individuals affected with OPA1-related conditions. Algorithms developed to predict the effect of sequence changes on RNA splicing suggest that this variant may create or strengthen a splice site. Advanced modeling of protein sequence and biophysical properties (such as structural, functional, and spatial information, amino acid conservation, physicochemical variation, residue mobility, and thermodynamic stability) performed at Invitae indicates that this missense variant is not expected to disrupt OPA1 protein function. In summary, the available evidence is currently insufficient to determine the role of this variant in disease. Therefore, it has been classified as a Variant of Uncertain Significance.

NM_130837.3(OPA1):c.1759A>G (p.Ser587Gly)

Genes: OPA1 (OPA1 mitochondrial dynamin like GTPase; plus strand), LOC126806913 (BRD4-independent group 4 enhancer GRCh37_chr3:193364377-193365576; plus strand). Cytogenetic location: 3q29.
Variant type: single nucleotide variant.
Coding change: c.1759A>G on transcript NM_130837.3 (MANE Select); coding-DNA position 1759, A replaced by G.
Protein change: p.Ser587Gly; replaces serine 587 with glycine.
Molecular consequence: missense variant.
Genome position (GRCh38, 1-based): chr3:193,647,069, A>G. VCF-style: chr3-193647069-A-G. GRCh37 (hg19) VCF-style: chr3-193364858-A-G.
Other names: c.1225A>G, p.Ser409Gly (NM_001354663.2); c.1222A>G, p.Ser408Gly (NM_001354664.2); c.1594A>G, p.Ser532Gly (NM_015560.3); c.1486A>G, p.Ser496Gly (NM_130831.3); c.1540A>G, p.Ser514Gly (NM_130832.3); c.1597A>G, p.Ser533Gly (NM_130833.3); c.1648A>G, p.Ser550Gly (NM_130834.3); c.1651A>G, p.Ser551Gly (NM_130835.3); and 1 more; short protein forms S409G, S533G, S551G, S496G, S569G, S408G, S532G, S550G.
Identifiers: ClinVar variation 1933086 (VCV001933086.5), dbSNP rs1274025485, ClinGen allele CA355790352.
Genomic context (GRCh38, chr3:193,647,069, plus strand): 5'-TGTTGTCCTTTTTGTCATTTTAATATACTTTAGCTCTTGTTATTTTTTTTTAATAGGACA[A>G]GCATGCTAAAGGCACACCAAGTGACTACAAGAAATTTAAGCCTTGCAGTATCAGACTGCT-3'
Protein context (NP_570850.2, residues 577-597): FFQNSKLLKT[Ser587Gly]MLKAHQVTTR